The following is an entry in ClinVar:

ClinVar aggregate classification (germline): Uncertain significance (1 of 4 stars; one submission).

Submission:

GeneDx
Classification: Uncertain significance. Last evaluated: 2024-10-11. Review status: criteria provided, single submitter. Criteria: GeneDx Variant Classification Process June 2021. Collection method: clinical testing. Allele origin: germline. Affected: yes.
Comment: Not observed at significant frequency in large population cohorts (gnomAD); In silico analysis supports that this missense variant has a deleterious effect on protein structure/function; Has not been previously published as pathogenic or benign to our knowledge

NM_002246.3(KCNK3):c.614A>G (p.Tyr205Cys)

Gene: KCNK3 (potassium two pore domain channel subfamily K member 3; plus strand). Cytogenetic location: 2p23.3.
Variant type: single nucleotide variant.
Coding change: c.614A>G on transcript NM_002246.3 (MANE Select); coding-DNA position 614, A replaced by G.
Protein change: p.Tyr205Cys; replaces tyrosine 205 with cysteine.
Molecular consequence: missense variant.
Genome position (GRCh38, 1-based): chr2:26,727,997, A>G. VCF-style: chr2-26727997-A-G. GRCh37 (hg19) VCF-style: chr2-26950865-A-G.
Other names: short protein forms Y205C.
Identifiers: ClinVar variation 3777666 (VCV003777666.1).